The following is an entry in ClinVar:

Conditions:
Breast-ovarian cancer, familial, susceptibility to, 1 (BROVCA1). Also called: BRCA1 Hereditary Breast and Ovarian Cancer; OVARIAN CANCER, SUSCEPTIBILITY TO. Identifiers: Orphanet 145, MedGen C2676676, MONDO:0011450, OMIM 604370. Disease mechanism: loss of function.

Submission:

Brotman Baty Institute, University of Washington
No classification provided (evidence only). Condition: Breast-ovarian cancer, familial 1. Review status: no classification provided. Collection method: in vitro. Allele origin: not applicable. Functional consequence: functionally_normal.
ClinVar note: "not provided" was previously submitted as the classification for the variant. However, the classification appeared to be based only on an observation of functional data so it was converted to no classification on 2025-07-30.

NM_007294.4(BRCA1):c.5132A>T (p.Lys1711Ile)

Gene: BRCA1 (BRCA1 DNA repair associated; minus strand). Cytogenetic location: 17q21.31.
Variant type: single nucleotide variant.
Coding change: c.5132A>T on transcript NM_007294.4 (MANE Select); coding-DNA position 5132, A replaced by T.
Protein change: p.Lys1711Ile; replaces lysine 1711 with isoleucine.
Molecular consequence: missense variant. On other transcripts: non-coding transcript variant (1).
Genome position (GRCh38, 1-based): chr17:43,063,894, T>A on the plus strand (A>T on the coding strand, the complement: BRCA1 is on the minus strand). VCF-style: chr17-43063894-T-A. GRCh37 (hg19) VCF-style: chr17-41215911-T-A.
Other names: c.4919A>T, p.Lys1640Ile (NM_001407571.1, NM_001407894.1, NM_001407895.1 and 12 more transcripts); c.5198A>T, p.Lys1733Ile (NM_001407581.1, NM_001407582.1); c.5195A>T, p.Lys1732Ile (NM_001407583.1, NM_001407585.1, NM_001407587.1 and 1 more transcripts); c.5192A>T, p.Lys1731Ile (NM_001407590.1, NM_001407591.1); c.5132A>T, p.Lys1711Ile (NM_001407593.1, NM_001407594.1, NM_001407596.1 and 7 more transcripts); c.5129A>T, p.Lys1710Ile (NM_001407620.1, NM_001407621.1, NM_001407622.1 and 17 more transcripts); c.5126A>T, p.Lys1709Ile (NM_001407627.1, NM_001407628.1, NM_001407639.1 and 14 more transcripts); c.5123A>T, p.Lys1708Ile (NM_001407644.1, NM_001407645.1); and 71 more; short protein forms K1664I, K1711I, K1732I, K607I, K1415I, K1542I, K1557I, K1584I.
Identifiers: ClinVar variation 864996 (VCV000864996.3), dbSNP rs2051914244, ClinGen allele CA10591278.